The following is an entry in ClinVar:

NM_198525.3(KIF7):c.425A>G (p.His142Arg)

Gene: KIF7 (kinesin family member 7; minus strand). Cytogenetic location: 15q26.1.
Variant type: single nucleotide variant.
Coding change: c.425A>G on transcript NM_198525.3 (MANE Select); coding-DNA position 425, A replaced by G.
Protein change: p.His142Arg; replaces histidine 142 with arginine.
Molecular consequence: missense variant.
Genome position (GRCh38, 1-based): chr15:89,649,845, T>C on the plus strand (A>G on the coding strand, the complement: KIF7 is on the minus strand). VCF-style: chr15-89649845-T-C. GRCh37 (hg19) VCF-style: chr15-90193076-T-C.
Other names: c.425A>G (NM_198525.2); short protein forms H142R.
Identifiers: ClinVar variation 1394145 (VCV001394145.6), dbSNP rs551697037, ClinGen allele CA7728636.

ClinVar aggregate classification (germline): Uncertain significance. Review status: criteria provided, multiple submitters, no conflicts (2 of 4 stars). 2 submissions from 2 submitters: Uncertain significance (2). Last evaluated 2026-01-05.

Conditions:
Inborn genetic diseases. Identifiers: MedGen C0950123, MeSH D030342.
Acrocallosal syndrome (ACLS). Also called: Schinzel syndrome 1; Absence of corpus callosum with unusual facial appearance, mental deficiency, duplication of the halluces and polydactyly; HALLUX DUPLICATION, POSTAXIAL POLYDACTYLY, AND ABSENCE OF CORPUS CALLOSUM. Identifiers: Orphanet 36, MedGen C0796147, MONDO:0008708, OMIM 200990.

Allele frequency attached by ClinVar (database versions not stated): gnomAD exomes 0.00001; gnomAD 0.00003; ExAC 0.00005; 1000 Genomes Project 30x 0.00016; 1000 Genomes Project 0.00020.
gnomAD v4.1: 11 of 1,551,786 alleles (0.00071%); highest among the groups gnomAD compares: Admixed American, 0.012%; no homozygotes.

Submissions (2):

Labcorp Genetics (formerly Invitae), Labcorp
Classification: Uncertain significance for Acrocallosal syndrome. Last evaluated: 2026-01-05. Review status: criteria provided, single submitter. Criteria: Invitae Variant Classification Sherloc (09022015). Collection method: clinical testing. Allele origin: germline.
Comment: This sequence change replaces histidine, which is basic and polar, with arginine, which is basic and polar, at codon 142 of the KIF7 protein (p.His142Arg). This variant is present in population databases (rs551697037, gnomAD 0.004%). This variant has not been reported in the literature in individuals affected with KIF7-related conditions. ClinVar contains an entry for this variant (Variation ID: 1394145). Invitae Evidence Modeling of protein sequence and biophysical properties (such as structural, functional, and spatial information, amino acid conservation, physicochemical variation, residue mobility, and thermodynamic stability) indicates that this missense variant is not expected to disrupt KIF7 protein function with a negative predictive value of 80%. In summary, the available evidence is currently insufficient to determine the role of this variant in disease. Therefore, it has been classified as a Variant of Uncertain Significance.

Ambry Genetics
Classification: Uncertain significance for Inborn genetic diseases. Last evaluated: 2025-08-10. Review status: criteria provided, single submitter. Criteria: Ambry Variant Classification Scheme 2023. Collection method: clinical testing. Allele origin: germline.